The following is an entry in ClinVar:

ClinVar aggregate classification (germline): Likely benign (0 of 4 stars; one submission).

Conditions:
GNAS-related disorder. Identifiers: MedGen CN380105.

gnomAD v4.1: 16 of 1,550,118 alleles (0.001%); highest among the groups gnomAD compares: East Asian, 0.0024%; no homozygotes.

Submission:

PreventionGenetics, part of Exact Sciences
Classification: Likely benign for GNAS-related condition. Last evaluated: 2020-12-28. Review status: no assertion criteria provided. Collection method: clinical testing. Allele origin: germline.
Comment: This variant is classified as likely benign based on ACMG/AMP sequence variant interpretation guidelines (Richards et al. 2015 PMID: 25741868, with internal and published modifications).

NM_080425.4(GNAS):c.48C>G (p.Arg16=)

Gene: GNAS (GNAS complex locus; plus strand). Cytogenetic location: 20q13.32.
Variant type: single nucleotide variant.
Coding change: c.48C>G on transcript NM_080425.4 (MANE Plus Clinical); coding-DNA position 48, C replaced by G.
Protein change: p.Arg16=; no amino-acid change (arginine 16 retained).
Molecular consequence: synonymous variant. On other transcripts: 5 prime UTR variant (2), intron variant (3).
Genome position (GRCh38, 1-based): chr20:58,853,313, C>G. VCF-style: chr20-58853313-C-G. GRCh37 (hg19) VCF-style: chr20-57428368-C-G.
Other names: c.-140C>G (NM_001077490.3, NM_001309883.1); c.48C>G, p.Arg16= (NM_001410913.1); c.*42+12427C>G (NM_016592.5); c.43+12427C>G (NM_001410912.1); c.-39+11438C>G (NM_001309861.2).
Identifiers: ClinVar variation 3031100 (VCV003031100.2), dbSNP rs1452728127, ClinGen allele CA511087391.
Genomic context (GRCh38, chr20:58,853,313, plus strand): 5'-CCGCCACCGTGTTATGGGCGTGCGCAACTGCCTCTACGGCAATAATATGTCAGGACAACG[C>G]GATATCCCCCCTGAAATCGGGGAACAGCCCGAGCAACCACCTTTGGAGGCCCCAGGGGCA-3'
Protein context (NP_536350.2, residues 6-26): CLYGNNMSGQ[Arg16=]DIPPEIGEQP